The following is an entry in ClinVar:

NM_020312.4(COQ9):c.14C>G (p.Ala5Gly)

Genes: COQ9 (coenzyme Q9; plus strand), LOC112469007 (Sharpr-MPRA regulatory region 5957; plus strand). Cytogenetic location: 16q21.
Variant type: single nucleotide variant.
Coding change: c.14C>G on transcript NM_020312.4 (MANE Select); coding-DNA position 14, C replaced by G.
Protein change: p.Ala5Gly; replaces alanine 5 with glycine.
Molecular consequence: missense variant.
Genome position (GRCh38, 1-based): chr16:57,447,519, C>G. VCF-style: chr16-57447519-C-G. GRCh37 (hg19) VCF-style: chr16-57481431-C-G.
Other names: short protein forms A5G.
Identifiers: ClinVar variation 2417926 (VCV002417926.41), dbSNP rs866898130, ClinGen allele CA396026368.
Genomic context (GRCh38, chr16:57,447,519, plus strand): 5'-CCGTAGCTACCGGTCGCGTCGCCGTGGGCGACGTGCCCGCTTCCAAAATGGCGGCGGCGG[C>G]GGTATCTGGTGCGCTTGGCCGGGCGGGCTGGAGGCTCCTGCAGCTGCGATGCCTGCCCGG-3'
Protein context (NP_064708.1, residues 1-15): MAAA[Ala5Gly]VSGALGRAGW

ClinVar aggregate classification (germline): Uncertain significance. Review status: criteria provided, multiple submitters, no conflicts (2 of 4 stars). 2 submissions from 2 submitters: Uncertain significance (2). Last evaluated 2023-06-26.

Conditions:
Inborn genetic diseases. Identifiers: MedGen C0950123, MeSH D030342.

gnomAD v4.1: 7 of 1,305,456 alleles (0.00054%); highest among the groups gnomAD compares: Non-Finnish European, 0.00069%; no homozygotes.

Submissions (2):

Ambry Genetics
Classification: Uncertain significance for Inborn genetic diseases. Last evaluated: 2023-06-26. Review status: criteria provided, single submitter. Criteria: Ambry Variant Classification Scheme 2023. Collection method: clinical testing. Allele origin: germline.

Labcorp Genetics (formerly Invitae), Labcorp
Classification: Uncertain significance. Last evaluated: 2022-04-20. Review status: criteria provided, single submitter. Criteria: Invitae Variant Classification Sherloc (09022015). Collection method: clinical testing. Allele origin: germline.
Comment: This sequence change replaces alanine, which is neutral and non-polar, with glycine, which is neutral and non-polar, at codon 5 of the COQ9 protein (p.Ala5Gly). This variant is not present in population databases (gnomAD no frequency). This variant has not been reported in the literature in individuals affected with COQ9-related conditions. Algorithms developed to predict the effect of missense changes on protein structure and function are either unavailable or do not agree on the potential impact of this missense change (SIFT: "Tolerated"; PolyPhen-2: "Not Available"; Align-GVGD: "Class C0"). In summary, the available evidence is currently insufficient to determine the role of this variant in disease. Therefore, it has been classified as a Variant of Uncertain Significance.